The following is an entry in ClinVar:

NM_015443.4(KANSL1):c.2326C>T (p.Pro776Ser)

Gene: KANSL1 (KAT8 regulatory NSL complex subunit 1). Cytogenetic location: 17q21.31.
Variant type: single nucleotide variant.
Coding change: c.2326C>T on transcript NM_015443.4 (MANE Select); coding-DNA position 2326, C replaced by T.
Protein change: p.Pro776Ser; replaces proline 776 with serine.
Molecular consequence: missense variant. On other transcripts: intron variant (8).
Genome position (GRCh38, 1-based): chr17:46,039,093, G>A on the plus strand (C>T on the coding strand, the complement: KANSL1 is on the minus strand). VCF-style: chr17-46039093-G-A. GRCh37 (hg19) VCF-style: chr17-44116459-G-A.
Other names: c.2326C>T, p.Pro776Ser (NM_001193465.2, NM_001193466.2, NM_001379198.1 and 8 more transcripts); c.2224C>T, p.Pro742Ser (NM_001405859.1, NM_001405860.1, NM_001405861.1 and 1 more transcripts); c.1060C>T, p.Pro354Ser (NM_001405882.1, NM_001405883.1); c.938-407C>T (NM_001405885.1, NM_001405884.1); c.2204-407C>T (NM_001405879.1, NM_001405875.1, NM_001405878.1 and 3 more transcripts); short protein forms P742S, P354S, P776S.
Identifiers: ClinVar variation 4704322 (VCV004704322.2).

ClinVar aggregate classification (germline): Uncertain significance. Review status: criteria provided, multiple submitters, no conflicts (2 of 4 stars). 2 submissions from 2 submitters: Uncertain significance (2). Last evaluated 2025-11-27.

Conditions:
Koolen-de Vries syndrome (KDVS). Identifiers: Orphanet 96169, MedGen C1864871, MONDO:0012496, OMIM 610443.

gnomAD v4.1: 2 of 1,612,330 alleles (0.00012%); highest among the groups gnomAD compares: Non-Finnish European, 0.00017%; no homozygotes.

Submissions (2):

Labcorp Genetics (formerly Invitae), Labcorp
Classification: Uncertain significance for Koolen-de Vries syndrome. Last evaluated: 2025-11-27. Review status: criteria provided, single submitter. Criteria: Invitae Variant Classification Sherloc (09022015). Collection method: clinical testing. Allele origin: germline.
Comment: This sequence change replaces proline, which is neutral and non-polar, with serine, which is neutral and polar, at codon 776 of the KANSL1 protein (p.Pro776Ser). This variant is not present in population databases (gnomAD no frequency). This variant has not been reported in the literature in individuals affected with KANSL1-related conditions. An algorithm developed to predict the effect of missense changes on protein structure and function (PolyPhen-2) suggests that this variant is likely to be tolerated. In summary, the available evidence is currently insufficient to determine the role of this variant in disease. Therefore, it has been classified as a Variant of Uncertain Significance.

Blueprint Genetics
Classification: Uncertain significance. Last evaluated: 2024-10-25. Review status: criteria provided, single submitter. Criteria: ACMG Guidelines, 2015. Collection method: clinical testing. Allele origin: germline.